The following is an entry in ClinVar:

ClinVar aggregate classification (germline): Uncertain significance (1 of 4 stars; one submission).

Conditions:
Autoimmune lymphoproliferative syndrome type 2A (ALPS2A). Also called: CASP10-Related Autoimmune Lymphoproliferative Syndrome; AUTOIMMUNE LYMPHOPROLIFERATIVE SYNDROME, TYPE IIA; Autoimmune lymphoproliferative syndrome type 2. Identifiers: Orphanet 3261, MedGen C1858968, MONDO:0011383, OMIM 603909.

Submission:

Labcorp Genetics (formerly Invitae), Labcorp
Classification: Uncertain significance for Autoimmune lymphoproliferative syndrome type 2A. Last evaluated: 2025-10-23. Review status: criteria provided, single submitter. Criteria: Invitae Variant Classification Sherloc (09022015). Collection method: clinical testing. Allele origin: germline.
Comment: This sequence change replaces leucine, which is neutral and non-polar, with threonine, which is neutral and polar, at codon 522 of the CASP10 protein (p.Leu522Thr). Information on the frequency of this variant in the gnomAD database is not available, as this variant may be reported differently in the database. This variant has not been reported in the literature in individuals affected with CASP10-related conditions. ClinVar contains an entry for this variant (Variation ID: 3757101). An algorithm developed to predict the effect of missense changes on protein structure and function (PolyPhen-2) suggests that this variant is likely to be disruptive. In summary, the available evidence is currently insufficient to determine the role of this variant in disease. Therefore, it has been classified as a Variant of Uncertain Significance.

NM_032977.4(CASP10):c.1564_1565delinsAC (p.Leu522Thr)

Gene: CASP10 (caspase 10; plus strand). Cytogenetic location: 2q33.1.
Variant type: Indel.
Coding change: c.1564_1565delinsAC on transcript NM_032977.4 (MANE Select); coding-DNA positions 1564 to 1565, TT replaced by AC.
Protein change: p.Leu522Thr; replaces leucine 522 with threonine.
Molecular consequence: missense variant. On other transcripts: 3 prime UTR variant (1), intron variant (2).
Genome position (GRCh38, 1-based): chr2:201,217,736-201,217,737, TT replaced by AC. VCF-style: chr2-201217736-TT-AC. GRCh37 (hg19) VCF-style: chr2-202082459-TT-AC.
Other names: c.1363_1364delinsAC, p.Leu455Thr (NM_001206524.2); c.1435_1436delinsAC, p.Leu479Thr (NM_001230.5); c.*650_*651delinsAC (NM_032976.4); c.1415+8174_1415+8175delinsAC (NM_032974.5); c.1286+8174_1286+8175delinsAC (NM_001206542.2); short protein forms L455T, L479T, L522T.
Identifiers: ClinVar variation 3757101 (VCV003757101.2).